The following is an entry in ClinVar:

ClinVar aggregate classification (germline): Uncertain significance (1 of 4 stars; one submission).

Allele frequency attached by ClinVar (database versions not stated): gnomAD exomes below 0.00001; gnomAD 0.00001.
gnomAD v4.1: 3 of 1,614,134 alleles (0.00019%); highest among the groups gnomAD compares: South Asian, 0.0022%; no homozygotes.

Submission:

Labcorp Genetics (formerly Invitae), Labcorp
Classification: Uncertain significance. Last evaluated: 2022-11-15. Review status: criteria provided, single submitter. Criteria: Invitae Variant Classification Sherloc (09022015). Collection method: clinical testing. Allele origin: germline.
Comment: Algorithms developed to predict the effect of missense changes on protein structure and function output the following: SIFT: "Tolerated"; PolyPhen-2: "Benign"; Align-GVGD: "Class C0". The glycine amino acid residue is found in multiple mammalian species, which suggests that this missense change does not adversely affect protein function. This variant has not been reported in the literature in individuals affected with RFWD3-related conditions. This variant is present in population databases (no rsID available, gnomAD 0.0009%). This sequence change replaces serine, which is neutral and polar, with glycine, which is neutral and non-polar, at codon 337 of the RFWD3 protein (p.Ser337Gly). In summary, the available evidence is currently insufficient to determine the role of this variant in disease. Therefore, it has been classified as a Variant of Uncertain Significance.

NM_018124.4(RFWD3):c.1009A>G (p.Ser337Gly)

Gene: RFWD3 (ring finger and WD repeat domain 3; minus strand). Cytogenetic location: 16q23.1.
Variant type: single nucleotide variant.
Coding change: c.1009A>G on transcript NM_018124.4 (MANE Select); coding-DNA position 1009, A replaced by G.
Protein change: p.Ser337Gly; replaces serine 337 with glycine.
Molecular consequence: missense variant.
Genome position (GRCh38, 1-based): chr16:74,644,432, T>C on the plus strand (A>G on the coding strand, the complement: RFWD3 is on the minus strand). VCF-style: chr16-74644432-T-C. GRCh37 (hg19) VCF-style: chr16-74678330-T-C.
Other names: c.1009A>G, p.Ser337Gly (NM_001370534.1, NM_001370535.1, NM_001370536.1); c.175A>G, p.Ser59Gly (NM_001370537.1, NM_001370539.1, NM_001370540.1 and 3 more transcripts); short protein forms S59G, S337G.
Identifiers: ClinVar variation 2019317 (VCV002019317.4), dbSNP rs1204752432, ClinGen allele CA396762659.